The following is an entry in ClinVar:

ClinVar aggregate classification (germline): Benign. Review status: criteria provided, multiple submitters, no conflicts (2 of 4 stars). 8 submissions from 8 submitters: Benign (8). Last evaluated 2026-02-03.

Conditions:
Perlman syndrome (PRLMNS). Identifiers: Orphanet 2849, MedGen C0796113, MONDO:0009965, OMIM 267000.

Allele frequency attached by ClinVar (database versions not stated): ESP Exome Variant Server 0.00180; gnomAD 0.00804 and 0.00853; ExAC 0.01135; gnomAD exomes 0.01386; 1000 Genomes Project 30x 0.01546; TOPMed 0.00980; 1000 Genomes Project 0.01498.
gnomAD v4.1: 9,051 of 1,614,180 alleles (0.56%); highest among the groups gnomAD compares: Admixed American, 5.4%; 136 homozygotes.

Submissions (8):

Labcorp Genetics (formerly Invitae), Labcorp
Classification: Benign for Perlman syndrome. Last evaluated: 2026-02-03. Review status: criteria provided, single submitter. Criteria: Invitae Variant Classification Sherloc (09022015). Collection method: clinical testing. Allele origin: germline.

Dasa
Classification: Benign. Last evaluated: 2025-12-01. Review status: criteria provided, single submitter. Criteria: DASA Assertion Criteria. Collection method: clinical testing. Allele origin: germline.
Comment: NM_152383.5(DIS3L2):c.1448G>A (p.Arg483Gln) is interpreted as benign based on a combination of available evidence, which may include population frequency, observations in unaffected individuals, intact protein function, lack of segregation with disease, in silico models, amino acid conservation, lack of disease association in case-control studies, and/or inconsistency with the known disease mechanism or impacted region. Based on the available data, this variant is classified as benign.

Mayo Clinic Laboratories, Mayo Clinic
Classification: Benign. Last evaluated: 2024-11-08. Review status: criteria provided, single submitter. Criteria: ACMG Guidelines, 2015. Collection method: clinical testing. Allele origin: germline. Observed: 6 variant alleles.
Comment: BA1, BS2

Fulgent Genetics
Classification: Benign for Perlman syndrome. Last evaluated: 2022-05-17. Review status: criteria provided, single submitter. Criteria: ACMG Guidelines, 2015. Collection method: clinical testing. Allele origin: unknown.

GeneDx
Classification: Benign. Last evaluated: 2019-02-28. Review status: criteria provided, single submitter. Criteria: GeneDx Variant Classification Process June 2021. Collection method: clinical testing. Allele origin: germline. Affected: yes.

Illumina Laboratory Services, Illumina
Classification: Benign for Perlman syndrome. Last evaluated: 2018-01-13. Review status: criteria provided, single submitter. Criteria: ICSL Variant Classification Criteria 13 December 2019. Collection method: clinical testing. Allele origin: germline.
Comment: This variant was observed in the ICSL laboratory as part of a predisposition screen in an ostensibly healthy population. It had not been previously curated by ICSL or reported in the Human Gene Mutation Database (HGMD: prior to June 1st, 2018), and was therefore a candidate for classification through an automated scoring system. Utilizing variant allele frequency, disease prevalence and penetrance estimates, and inheritance mode, an automated score was calculated to assess if this variant is too frequent to cause the disease. Based on the score and internal cut-off values, a variant classified as benign is not then subjected to further curation. The score for this variant resulted in a classification of benign for this disease.

Breakthrough Genomics
Classification: Benign. Review status: criteria provided, single submitter. Criteria: ACMG Guidelines, 2015. Collection method: not provided. Allele origin: germline. Inheritance: Autosomal recessive inheritance. Affected: yes.

PreventionGenetics, part of Exact Sciences
Classification: Benign. Review status: criteria provided, single submitter. Criteria: ACMG Guidelines, 2015. Collection method: clinical testing. Allele origin: germline.

NM_152383.5(DIS3L2):c.1448G>A (p.Arg483Gln)

Gene: DIS3L2 (DIS3 like 3'-5' exoribonuclease 2; plus strand). Cytogenetic location: 2q37.1.
Variant type: single nucleotide variant.
Coding change: c.1448G>A on transcript NM_152383.5 (MANE Select); coding-DNA position 1448, G replaced by A.
Protein change: p.Arg483Gln; replaces arginine 483 with glutamine.
Molecular consequence: missense variant. On other transcripts: non-coding transcript variant (2).
Genome position (GRCh38, 1-based): chr2:232,263,229, G>A. VCF-style: chr2-232263229-G-A. GRCh37 (hg19) VCF-style: chr2-233127939-G-A.
Other names: p.Arg483Gln; c.1448G>A, p.Arg483Gln (NM_001257281.2); short protein forms R483Q.
Identifiers: ClinVar variation 262630 (VCV000262630.22), dbSNP rs148474013, ClinGen allele CA2164162.